The following is an entry in ClinVar:

ClinVar aggregate classification (germline): Uncertain significance (1 of 4 stars; one submission).

Allele frequency attached by ClinVar (database versions not stated): gnomAD 0.00001; gnomAD exomes 0.00001; TOPMed 0.00002.
gnomAD v4.1: 10 of 1,613,532 alleles (0.00062%); highest among the groups gnomAD compares: African/African-American, 0.0013%; no homozygotes.

Submission:

CeGaT Center for Human Genetics Tuebingen
Classification: Uncertain significance. Last evaluated: 2023-07-01. Review status: criteria provided, single submitter. Criteria: CeGaT Center For Human Genetics Tuebingen Variant Classification Criteria Version 2. Collection method: clinical testing. Allele origin: germline. Affected: yes. Observed: 1 variant allele.
Comment: HEPHL1: PM2, PP3

NM_001098672.2(HEPHL1):c.851T>C (p.Met284Thr)

Gene: HEPHL1 (hephaestin like 1; plus strand). Cytogenetic location: 11q21.
Variant type: single nucleotide variant.
Coding change: c.851T>C on transcript NM_001098672.2 (MANE Select); coding-DNA position 851, T replaced by C.
Protein change: p.Met284Thr; replaces methionine 284 with threonine.
Molecular consequence: missense variant.
Genome position (GRCh38, 1-based): chr11:94,067,538, T>C. VCF-style: chr11-94067538-T-C. GRCh37 (hg19) VCF-style: chr11-93800704-T-C.
Other names: short protein forms M284T.
Identifiers: ClinVar variation 2642292 (VCV002642292.24), dbSNP rs959187642, ClinGen allele CA226519787.